The following is an entry in ClinVar:

ClinVar aggregate classification (germline): Uncertain significance (1 of 4 stars; one submission).

Allele frequency attached by ClinVar (database versions not stated): TOPMed below 0.00001; 1000 Genomes Project 30x 0.00016; 1000 Genomes Project 0.00020; ExAC 0.00024.
gnomAD v4.1: 58 of 1,560,114 alleles (0.0037%); highest among the groups gnomAD compares: South Asian, 0.044%; no homozygotes.

Submission:

Labcorp Genetics (formerly Invitae), Labcorp
Classification: Uncertain significance. Last evaluated: 2023-11-13. Review status: criteria provided, single submitter. Criteria: Invitae Variant Classification Sherloc (09022015). Collection method: clinical testing. Allele origin: germline.
Comment: This sequence change replaces arginine, which is basic and polar, with histidine, which is basic and polar, at codon 340 of the SLC26A1 protein (p.Arg340His). This variant is present in population databases (rs550626988, gnomAD 0.05%). This variant has not been reported in the literature in individuals affected with SLC26A1-related conditions. Advanced modeling of protein sequence and biophysical properties (such as structural, functional, and spatial information, amino acid conservation, physicochemical variation, residue mobility, and thermodynamic stability) performed at Invitae indicates that this missense variant is not expected to disrupt SLC26A1 protein function with a negative predictive value of 80%. In summary, the available evidence is currently insufficient to determine the role of this variant in disease. Therefore, it has been classified as a Variant of Uncertain Significance.

NM_022042.4(SLC26A1):c.1019G>A (p.Arg340His)

Genes: IDUA (alpha-L-iduronidase; plus strand), SLC26A1 (solute carrier family 26 member 1; minus strand). Cytogenetic location: 4p16.3.
Variant type: single nucleotide variant.
Coding change: c.1019G>A on transcript NM_022042.4 (MANE Select); coding-DNA position 1019, G replaced by A.
Protein change: p.Arg340His; replaces arginine 340 with histidine.
Molecular consequence: missense variant. On other transcripts: intron variant (2).
Genome position (GRCh38, 1-based): chr4:989,920, C>T on the plus strand (G>A on the coding strand, the complement: SLC26A1 is on the minus strand). VCF-style: chr4-989920-C-T. GRCh37 (hg19) VCF-style: chr4-983708-C-T.
Other names: c.1019G>A, p.Arg340His (NM_213613.4); c.576+1208G>A (NM_134425.4); c.299+1971C>T (NM_000203.5); short protein forms R340H.
Identifiers: ClinVar variation 3014792 (VCV003014792.3), dbSNP rs550626988, ClinGen allele CA2801484.
Genomic context (GRCh38, chr4:989,920, plus strand): 5'-GCCAGCGAGATGGAGAAGGCGGCAGCCACGAGGGCCAGGGCCACGGCATCCAAAGCCACA[C>T]GCTGCATCAGCCTGGGCTCTGGGACCTGAGGGGGCATGAAACCCGTGGGGATGTCGCCAG-3'
Protein context (NP_071325.2, residues 330-350): PQVPEPRLMQ[Arg340His]VALDAVALAL